The following is an entry in ClinVar:

NM_006421.5(ARFGEF1):c.1922-2A>G

Gene: ARFGEF1 (ARF guanine nucleotide exchange factor 1; minus strand). Cytogenetic location: 8q13.2.
Variant type: single nucleotide variant.
Coding change: c.1922-2A>G on transcript NM_006421.5 (MANE Select); the canonical splice acceptor site of the intron before coding-DNA position 1922, A replaced by G.
Molecular consequence: splice acceptor variant.
Genome position (GRCh38, 1-based): chr8:67,266,209, T>C on the plus strand (A>G on the coding strand, the complement: ARFGEF1 is on the minus strand). VCF-style: chr8-67266209-T-C. GRCh37 (hg19) VCF-style: chr8-68178444-T-C.
Other names: c.1922-2A>G (NM_001413186.1, NM_001413187.1, NM_001413185.1 and 7 more transcripts); c.1322-2A>G (NM_001413188.1, NM_001413197.1, NM_001413193.1); c.497-2A>G (NM_001413196.1).
Identifiers: ClinVar variation 2663110 (VCV002663110.1), dbSNP rs2491650155, ClinGen allele CA371216072.

ClinVar aggregate classification (germline): Pathogenic (1 of 4 stars; one submission).

Submission:

GeneDx
Classification: Pathogenic. Last evaluated: 2023-05-03. Review status: criteria provided, single submitter. Criteria: GeneDx Variant Classification Process June 2021. Collection method: clinical testing. Allele origin: germline. Affected: yes.
Comment: Canonical splice site variant predicted to result in a null allele in a gene for which loss of function is a known mechanism of disease; Not observed at significant frequency in large population cohorts (gnomAD); Has not been previously published as pathogenic or benign to our knowledge